The following is an entry in ClinVar:

NM_000834.5(GRIN2B):c.4261T>C (p.Phe1421Leu)

Gene: GRIN2B (glutamate ionotropic receptor NMDA type subunit 2B; minus strand). Cytogenetic location: 12p13.1.
Variant type: single nucleotide variant.
Coding change: c.4261T>C on transcript NM_000834.5 (MANE Select); coding-DNA position 4261, T replaced by C.
Protein change: p.Phe1421Leu; replaces phenylalanine 1421 with leucine.
Molecular consequence: missense variant.
Genome position (GRCh38, 1-based): chr12:13,562,977, A>G on the plus strand (T>C on the coding strand, the complement: GRIN2B is on the minus strand). VCF-style: chr12-13562977-A-G. GRCh37 (hg19) VCF-style: chr12-13715911-A-G.
Other names: p.Phe1421Leu; c.4261T>C (NM_000834.4); short protein forms F1421L.
Identifiers: ClinVar variation 246159 (VCV000246159.2), dbSNP rs879254129, ClinGen allele CA10584420.

ClinVar aggregate classification (germline): Uncertain significance. Review status: criteria provided, multiple submitters, no conflicts (2 of 4 stars). 2 submissions from 2 submitters: Uncertain significance (2). Last evaluated 2022-06-23.

Allele frequency attached by ClinVar (database versions not stated): gnomAD exomes below 0.00001 and 0.00001.
gnomAD v4.1: 3 of 1,613,906 alleles (0.00019%); highest among the groups gnomAD compares: Non-Finnish European, 0.00025%; no homozygotes.

Submissions (2):

Mayo Clinic Laboratories, Mayo Clinic
Classification: Uncertain significance. Last evaluated: 2022-06-23. Review status: criteria provided, single submitter. Criteria: ACMG Guidelines, 2015. Collection method: clinical testing. Allele origin: germline. Observed: 1 variant allele.
Comment: BP4

GeneDx
Classification: Uncertain significance. Last evaluated: 2015-12-01. Review status: criteria provided, single submitter. Criteria: GeneDx Variant Classification (06012015). Collection method: clinical testing. Allele origin: germline. Affected: yes.